The following is an entry in ClinVar:

NC_000002.11:g.(?_58386900)_(58468448_?)dup

Genes: FANCL (FA complementation group L; minus strand), VRK2 (VRK serine/threonine kinase 2; plus strand). Cytogenetic location: 2p16.1.
Variant type: Duplication.
Identifiers: ClinVar variation 1422903 (VCV001422903.4).

ClinVar aggregate classification (germline): Uncertain significance (1 of 4 stars; one submission).

Conditions:
Fanconi anemia (FA). Also called: Fanconi's anemia. Identifiers: Orphanet 84, MedGen C0015625, MeSH D005199, MONDO:0019391.

Submission:

Labcorp Genetics (formerly Invitae), Labcorp
Classification: Uncertain significance for Fanconi anemia. Last evaluated: 2022-04-06. Review status: criteria provided, single submitter. Criteria: Invitae Variant Classification Sherloc (09022015). Collection method: clinical testing. Allele origin: germline.
Comment: A copy number gain of the genomic region encompassing the full coding sequence of the FANCL gene has been identified. The boundaries of this event are unknown as they extend beyond the assayed region for this gene and therefore may encompass additional genes. As the precise location of this event is unknown, it may be in tandem or it may be located elsewhere in the genome. This variant has not been reported in the literature in individuals affected with FANCL-related conditions. Experimental studies and prediction algorithms are not available or were not evaluated, and the functional significance of this variant is currently unknown. In summary, the available evidence is currently insufficient to determine the role of this variant in disease. Therefore, it has been classified as a Variant of Uncertain Significance.